The following is an entry in ClinVar:

NM_015570.4(AUTS2):c.3638C>T (p.Pro1213Leu)

Gene: AUTS2 (activator of transcription and developmental regulator AUTS2; plus strand). Cytogenetic location: 7q11.22.
Variant type: single nucleotide variant.
Coding change: c.3638C>T on transcript NM_015570.4 (MANE Select); coding-DNA position 3638, C replaced by T.
Protein change: p.Pro1213Leu; replaces proline 1213 with leucine.
Molecular consequence: missense variant.
Genome position (GRCh38, 1-based): chr7:70,790,854, C>T. VCF-style: chr7-70790854-C-T. GRCh37 (hg19) VCF-style: chr7-70255840-C-T.
Other names: c.3566C>T, p.Pro1189Leu (NM_001127231.3); short protein forms P1189L, P1213L.
Identifiers: ClinVar variation 1326012 (VCV001326012.4), dbSNP rs200355149, ClinGen allele CA4281394.

ClinVar aggregate classification (germline): Conflicting classifications of pathogenicity. Review status: criteria provided, conflicting classifications (1 of 4 stars). 2 submissions from 2 submitters: Uncertain significance (1); Likely benign (1). Last evaluated 2024-07-29.

Allele frequency attached by ClinVar (database versions not stated): gnomAD 0.00001; gnomAD exomes 0.00002; ExAC 0.00004; 1000 Genomes Project 30x 0.00016; 1000 Genomes Project 0.00020.
gnomAD v4.1: 11 of 1,606,816 alleles (0.00068%); highest among the groups gnomAD compares: Admixed American, 0.0034%; no homozygotes.

Submissions (2):

Labcorp Genetics (formerly Invitae), Labcorp
Classification: Likely benign. Last evaluated: 2024-07-29. Review status: criteria provided, single submitter. Criteria: Invitae Variant Classification Sherloc (09022015). Collection method: clinical testing. Allele origin: germline.

GeneDx
Classification: Uncertain significance. Last evaluated: 2021-05-17. Review status: criteria provided, single submitter. Criteria: GeneDx Variant Classification Process June 2021. Collection method: clinical testing. Allele origin: germline. Affected: yes.
Comment: In silico analysis supports that this missense variant has a deleterious effect on protein structure/function; Missense variant in a gene in which most reported pathogenic variants are truncating/loss-of-function; Has not been previously published as pathogenic or benign to our knowledge